The following is an entry in ClinVar:

NM_001202.6(BMP4):c.383A>G (p.Asn128Ser)

Gene: BMP4 (bone morphogenetic protein 4; minus strand). Cytogenetic location: 14q22.2.
Variant type: single nucleotide variant.
Coding change: c.383A>G on transcript NM_001202.6 (MANE Select); coding-DNA position 383, A replaced by G.
Protein change: p.Asn128Ser; replaces asparagine 128 with serine.
Molecular consequence: missense variant.
Genome position (GRCh38, 1-based): chr14:53,950,876, T>C on the plus strand (A>G on the coding strand, the complement: BMP4 is on the minus strand). VCF-style: chr14-53950876-T-C. GRCh37 (hg19) VCF-style: chr14-54417594-T-C.
Other names: c.524A>G, p.Asn175Ser (NM_001347912.1); c.194A>G, p.Asn65Ser (NM_001347913.2, NM_001347915.2, NM_001347917.1); c.383A>G, p.Asn128Ser (NM_001347914.2, NM_001347916.1, NM_130850.5 and 1 more transcripts); c.383A>G (NM_001202.3); short protein forms N128S, N175S, N65S.
Identifiers: ClinVar variation 1964148 (VCV001964148.6), dbSNP rs1274761010, ClinGen allele CA389784827.

ClinVar aggregate classification (germline): Uncertain significance. Review status: criteria provided, multiple submitters, no conflicts (2 of 4 stars). 2 submissions from 2 submitters: Uncertain significance (2). Last evaluated 2025-08-06.

Conditions:
Inborn genetic diseases. Identifiers: MedGen C0950123, MeSH D030342.
Orofacial cleft 11 (OFC11). Also called: CLEFT LIP WITH OR WITHOUT CLEFT PALATE, NONSYNDROMIC, 11; Orofacial cleft 11; ofc11. Identifiers: MedGen C2677434, MONDO:0010906, OMIM 600625.
Microphthalmia with brain and digit anomalies (MCOPS6). Also called: Microphthalmia, syndromic 6; MICROPHTHALMIA AND PITUITARY ANOMALIES. Identifiers: Orphanet 139471, MedGen C1864689, MONDO:0011936, OMIM 607932.

Allele frequency attached by ClinVar (database versions not stated): gnomAD exomes 0.00001; gnomAD 0.00002; TOPMed 0.00002.
gnomAD v4.1: 6 of 1,602,650 alleles (0.00037%); highest among the groups gnomAD compares: African/African-American, 0.0053%; no homozygotes.

Submissions (2):

Ambry Genetics
Classification: Uncertain significance for Inborn genetic diseases. Last evaluated: 2025-08-06. Review status: criteria provided, single submitter. Criteria: Ambry Variant Classification Scheme 2023. Collection method: clinical testing. Allele origin: germline.

Labcorp Genetics (formerly Invitae), Labcorp
Classification: Uncertain significance for Microphthalmia with brain and digit anomalies; Orofacial cleft 11. Last evaluated: 2025-03-30. Review status: criteria provided, single submitter. Criteria: Invitae Variant Classification Sherloc (09022015). Collection method: clinical testing. Allele origin: germline.
Comment: This sequence change replaces asparagine, which is neutral and polar, with serine, which is neutral and polar, at codon 128 of the BMP4 protein (p.Asn128Ser). This variant is present in population databases (no rsID available, gnomAD 0.007%). This variant has not been reported in the literature in individuals affected with BMP4-related conditions. ClinVar contains an entry for this variant (Variation ID: 1964148). An algorithm developed to predict the effect of missense changes on protein structure and function outputs the following: PolyPhen-2: "Benign". The serine amino acid residue is found in multiple mammalian species, which suggests that this missense change does not adversely affect protein function. In summary, the available evidence is currently insufficient to determine the role of this variant in disease. Therefore, it has been classified as a Variant of Uncertain Significance.